The following is an entry in ClinVar:

ClinVar aggregate classification (germline): Uncertain significance. Review status: criteria provided, multiple submitters, no conflicts (2 of 4 stars). 2 submissions from 2 submitters: Uncertain significance (2). Last evaluated 2025-04-02.

Conditions:
Inborn genetic diseases. Identifiers: MedGen C0950123, MeSH D030342.
Curry-Hall syndrome (WAD). Also called: WEYERS ACRODENTAL DYSOSTOSIS. Identifiers: Orphanet 952, MedGen C0457013, MONDO:0008673, OMIM 193530.
Ellis-van Creveld syndrome (EVC). Also called: MESOECTODERMAL DYSPLASIA; EVC-Related Ellis-van Creveld Syndrome; EVC2-Related Ellis-van Creveld Syndrome; Chondroectodermal dysplasia. Identifiers: Orphanet 289, MedGen C0013903, MONDO:0009162, OMIM 225500.

Allele frequency attached by ClinVar (database versions not stated): gnomAD 0.00001; 1000 Genomes Project 30x 0.00016; 1000 Genomes Project 0.00020.
gnomAD v4.1: 4 of 1,471,254 alleles (0.00027%); highest among the groups gnomAD compares: Admixed American, 0.0094%; no homozygotes.

Submissions (2):

Ambry Genetics
Classification: Uncertain significance for Inborn genetic diseases. Last evaluated: 2025-04-02. Review status: criteria provided, single submitter. Criteria: Ambry Variant Classification Scheme 2023. Collection method: clinical testing. Allele origin: germline.

Labcorp Genetics (formerly Invitae), Labcorp
Classification: Uncertain significance for Curry-Hall syndrome; Ellis-van Creveld syndrome. Last evaluated: 2022-09-16. Review status: criteria provided, single submitter. Criteria: Invitae Variant Classification Sherloc (09022015). Collection method: clinical testing. Allele origin: germline.
Comment: This sequence change replaces glutamic acid, which is acidic and polar, with glutamine, which is neutral and polar, at codon 72 of the EVC2 protein (p.Glu72Gln). This variant is not present in population databases (gnomAD no frequency). This variant has not been reported in the literature in individuals affected with EVC2-related conditions. Algorithms developed to predict the effect of missense changes on protein structure and function output the following: SIFT: "Tolerated"; PolyPhen-2: "Benign"; Align-GVGD: "Class C0". The glutamine amino acid residue is found in multiple mammalian species, which suggests that this missense change does not adversely affect protein function. In summary, the available evidence is currently insufficient to determine the role of this variant in disease. Therefore, it has been classified as a Variant of Uncertain Significance.

NM_147127.5(EVC2):c.214G>C (p.Glu72Gln)

Gene: EVC2 (EvC ciliary complex subunit 2; minus strand). Cytogenetic location: 4p16.2.
Variant type: single nucleotide variant.
Coding change: c.214G>C on transcript NM_147127.5 (MANE Select); coding-DNA position 214, G replaced by C.
Protein change: p.Glu72Gln; replaces glutamic acid 72 with glutamine.
Molecular consequence: missense variant. On other transcripts: intron variant (1).
Genome position (GRCh38, 1-based): chr4:5,708,300, C>G on the plus strand (G>C on the coding strand, the complement: EVC2 is on the minus strand). VCF-style: chr4-5708300-C-G. GRCh37 (hg19) VCF-style: chr4-5710027-C-G.
Other names: c.-13+529G>C (NM_001166136.2); c.214G>C (NM_147127.4); short protein forms E72Q.
Identifiers: ClinVar variation 2142263 (VCV002142263.2), dbSNP rs570345160, ClinGen allele CA91731458.
Genomic context (GRCh38, chr4:5,708,300, plus strand): 5'-CAAACCACTACAGTCAGACCGGAGCCTGGGGTCGGGCCCTCCTTACCTGCGTGCTGCTCT[C>G]GGGCCCCGCCCCGCTCCGCCCCGGAGGGATCCTCAGGCCGGGCCCAGACCTAGGAGCCAC-3'
Protein context (NP_667338.3, residues 62-82): IPPGRSGAGP[Glu72Gln]SSTQDLPCMI